The following is an entry in ClinVar:

NM_001605.3(AARS1):c.2600C>T (p.Ser867Leu)

Gene: AARS1 (alanyl-tRNA synthetase 1; minus strand). Cytogenetic location: 16q22.1.
Variant type: single nucleotide variant.
Coding change: c.2600C>T on transcript NM_001605.3 (MANE Select); coding-DNA position 2600, C replaced by T.
Protein change: p.Ser867Leu; replaces serine 867 with leucine.
Molecular consequence: missense variant.
Genome position (GRCh38, 1-based): chr16:70,253,721, G>A on the plus strand (C>T on the coding strand, the complement: AARS1 is on the minus strand). VCF-style: chr16-70253721-G-A. GRCh37 (hg19) VCF-style: chr16-70287624-G-A.
Other names: short protein forms S867L.
Identifiers: ClinVar variation 2092102 (VCV002092102.4), dbSNP rs2506989273, ClinGen allele CA396554864.

ClinVar aggregate classification (germline): Uncertain significance (1 of 4 stars; one submission).

Conditions:
Charcot-Marie-Tooth disease type 2. Also called: Charcot-Marie-Tooth type 2. Identifiers: Orphanet 64746, MedGen C0270914, MONDO:0018993.

Submission:

Labcorp Genetics (formerly Invitae), Labcorp
Classification: Uncertain significance for Charcot-Marie-Tooth disease type 2. Last evaluated: 2022-02-02. Review status: criteria provided, single submitter. Criteria: Invitae Variant Classification Sherloc (09022015). Collection method: clinical testing. Allele origin: germline.
Comment: In summary, the available evidence is currently insufficient to determine the role of this variant in disease. Therefore, it has been classified as a Variant of Uncertain Significance. Algorithms developed to predict the effect of missense changes on protein structure and function are either unavailable or do not agree on the potential impact of this missense change (SIFT: "Deleterious"; PolyPhen-2: "Probably Damaging"; Align-GVGD: "Class C15"). This variant has not been reported in the literature in individuals affected with AARS-related conditions. This variant is not present in population databases (gnomAD no frequency). This sequence change replaces serine, which is neutral and polar, with leucine, which is neutral and non-polar, at codon 867 of the AARS protein (p.Ser867Leu).